The following is an entry in ClinVar:

ClinVar aggregate classification (germline): Uncertain significance (1 of 4 stars; one submission).

Conditions:
Autoimmune lymphoproliferative syndrome type 2B. Also called: AUTOIMMUNE LYMPHOPROLIFERATIVE SYNDROME, TYPE IIB. Identifiers: Orphanet 275517, MedGen C1846545, MONDO:0011804, OMIM 607271.

Allele frequency attached by ClinVar (database versions not stated): gnomAD 0.00001; gnomAD exomes 0.00001; TOPMed 0.00001.
gnomAD v4.1: 6 of 1,607,494 alleles (0.00037%); highest among the groups gnomAD compares: Admixed American, 0.0084%; no homozygotes.

Submission:

Labcorp Genetics (formerly Invitae), Labcorp
Classification: Uncertain significance for Autoimmune lymphoproliferative syndrome type 2B. Last evaluated: 2021-09-02. Review status: criteria provided, single submitter. Criteria: Invitae Variant Classification Sherloc (09022015). Collection method: clinical testing. Allele origin: germline.
Comment: This sequence change replaces arginine with lysine at codon 134 of the CASP8 protein (p.Arg134Lys). The arginine residue is moderately conserved and there is a small physicochemical difference between arginine and lysine. This variant also falls at the last nucleotide of exon 4, which is part of the consensus splice site for this exon. This variant is not present in population databases (ExAC no frequency). This variant has not been reported in the literature in individuals affected with CASP8-related conditions. Algorithms developed to predict the effect of missense changes on protein structure and function are either unavailable or do not agree on the potential impact of this missense change (SIFT: "Tolerated"; PolyPhen-2: "Probably Damaging"; Align-GVGD: "Class C0"). Variants that disrupt the consensus splice site are a relatively common cause of aberrant splicing (PMID: 17576681, 9536098). Algorithms developed to predict the effect of sequence changes on RNA splicing suggest that this variant may disrupt the consensus splice site. In summary, the available evidence is currently insufficient to determine the role of this variant in disease. Therefore, it has been classified as a Variant of Uncertain Significance.

Literature cited by the submitters: PubMed 17576681; PubMed 9536098.

NM_001372051.1(CASP8):c.306-1911G>A

Gene: CASP8 (caspase 8; plus strand). Cytogenetic location: 2q33.1.
Variant type: single nucleotide variant.
Coding change: c.306-1911G>A on transcript NM_001372051.1 (MANE Select); 1911 bases into the intron before coding-DNA position 306, G replaced by A.
Molecular consequence: intron variant. On other transcripts: missense variant (1).
Genome position (GRCh38, 1-based): chr2:201,269,605, G>A. VCF-style: chr2-201269605-G-A. GRCh37 (hg19) VCF-style: chr2-202134328-G-A.
Other names: c.401G>A, p.Arg134Lys (NM_001228.5); c.306-1911G>A (NM_001400651.1, NM_001400663.1, NM_001400657.1 and 20 more transcripts); c.-227-1911G>A (NM_001400677.1, NM_001400750.1, NM_001400751.1 and 6 more transcripts); c.-4-1911G>A (NM_001400669.1); c.-306-1911G>A (NM_001400680.1); c.483-1911G>A (NM_001080125.2, NM_001400642.1, NM_001400665.1); c.-408-1911G>A (NM_001400674.1); short protein forms R134K.
Identifiers: ClinVar variation 962999 (VCV000962999.7), dbSNP rs796850798, ClinGen allele CA63881185.